The following is an entry in ClinVar:

ClinVar aggregate classification (germline): Likely pathogenic (1 of 4 stars; one submission).

Conditions:
Congenital hyperammonemia, type I. Also called: Carbamoyl phosphate synthetase 1 deficiency; Hyperammonemia due to carbamoyl phosphate synthetase 1 deficiency; CPS 1 deficiency; Carbamyl phosphate synthetase (CPS) deficiency; CPS I DEFICIENCY; Carbamoyl-phosphate synthase I deficiency. Identifiers: Orphanet 147, MedGen C4082171, MONDO:0009376, OMIM 237300.

Submission:

Myriad Genetics, Inc.
Classification: Likely pathogenic for Congenital hyperammonemia, type I. Last evaluated: 2022-02-17. Review status: criteria provided, single submitter. Criteria: Myriad Women's Health Autosomal Recessive and X-Linked Classification Criteria (2021). Collection method: clinical testing. Allele origin: unknown.
Comment: NM_001875.4(CPS1):c.1553_1555delTGGinsA(V518Efs*21) is expected to be pathogenic in the context of carbamoylphosphate synthetase I deficiency. This variant is predicted to lead to an abnormal or absent protein product due to the creation of a premature termination codon in CPS1, a gene where loss-of-function variants are known to be pathogenic. Please note: this variant was assessed in the context of healthy population screening.

NM_001875.5(CPS1):c.1553_1555delinsA (p.Val518fs)

Gene: CPS1 (carbamoyl-phosphate synthase 1; plus strand). Cytogenetic location: 2q34.
Variant type: Indel.
Coding change: c.1553_1555delinsA on transcript NM_001875.5 (MANE Select); coding-DNA positions 1553 to 1555, TGG replaced by A.
Protein change: p.Val518fs; shifts the reading frame from valine 518.
Molecular consequence: frameshift variant. On other transcripts: non-coding transcript variant (2).
Genome position (GRCh38, 1-based): chr2:210,600,558-210,600,560, TGG replaced by A. VCF-style: chr2-210600558-TGG-A. GRCh37 (hg19) VCF-style: chr2-211465282-TGG-A.
Other names: c.1553_1555delinsA, p.Val518fs (NM_001122633.3, NM_001369257.1); c.1586_1588delinsA, p.Val529fs (NM_001369256.1); short protein forms V518fs, V529fs.
Identifiers: ClinVar variation 1724453 (VCV001724453.2), dbSNP rs2469150531, ClinGen allele CA2580065547.